The following is an entry in ClinVar:

NM_000059.4(BRCA2):c.4649A>C (p.Glu1550Ala)

Gene: BRCA2 (BRCA2 DNA repair associated; plus strand). Cytogenetic location: 13q13.1.
Variant type: single nucleotide variant.
Coding change: c.4649A>C on transcript NM_000059.4 (MANE Select); coding-DNA position 4649, A replaced by C.
Protein change: p.Glu1550Ala; replaces glutamic acid 1550 with alanine.
Molecular consequence: missense variant.
Genome position (GRCh38, 1-based): chr13:32,339,004, A>C. VCF-style: chr13-32339004-A-C. GRCh37 (hg19) VCF-style: chr13-32913141-A-C.
Other names: short protein forms E1550A.
Identifiers: ClinVar variation 483019 (VCV000483019.13), dbSNP rs876660887, ClinGen allele CA387782183.

ClinVar aggregate classification (germline): Conflicting classifications of pathogenicity. Review status: criteria provided, conflicting classifications (1 of 4 stars). 3 submissions from 3 submitters: Uncertain significance (2); Likely benign (1). Last evaluated 2025-08-15.

Conditions:
Hereditary cancer-predisposing syndrome. Also called: Neoplastic Syndromes, Hereditary; Tumor predisposition; Hereditary Cancer Syndrome; Hereditary neoplastic syndrome. Identifiers: Orphanet 140162, MedGen C0027672, MeSH D009386, MONDO:0015356.
Hereditary breast ovarian cancer syndrome. Also called: Hereditary breast and ovarian cancer syndrome; Hereditary breast and ovarian cancer; Hereditary breast and ovarian cancer syndrome (HBOC); Breast and ovarian cancer; Hereditary breast and/or ovarian cancer syndrome; BRCA1- and BRCA2-Associated Hereditary Breast and Ovarian Cancer. Identifiers: Orphanet 145, MedGen C0677776, MeSH D061325, MONDO:0003582. Disease mechanism: loss of function.

Submissions (3):

Ambry Genetics
Classification: Uncertain significance for Hereditary cancer-predisposing syndrome. Last evaluated: 2025-08-15. Review status: criteria provided, single submitter. Criteria: Ambry Variant Classification Scheme 2023. Collection method: clinical testing. Allele origin: germline.
Comment: The p.E1550A variant (also known as c.4649A>C), located in coding exon 10 of the BRCA2 gene, results from an A to C substitution at nucleotide position 4649. The glutamic acid at codon 1550 is replaced by alanine, an amino acid with dissimilar properties. This amino acid position is not well conserved in available vertebrate species. In addition, this alteration is predicted to be tolerated by in silico analysis. Based on the available evidence, the clinical significance of this variant remains unclear.

Labcorp Genetics (formerly Invitae), Labcorp
Classification: Uncertain significance for Hereditary breast ovarian cancer syndrome. Last evaluated: 2025-02-05. Review status: criteria provided, single submitter. Criteria: Invitae Variant Classification Sherloc (09022015). Collection method: clinical testing. Allele origin: germline.
Comment: This sequence change replaces glutamic acid, which is acidic and polar, with alanine, which is neutral and non-polar, at codon 1550 of the BRCA2 protein (p.Glu1550Ala). This variant is not present in population databases (gnomAD no frequency). This variant has not been reported in the literature in individuals affected with BRCA2-related conditions. ClinVar contains an entry for this variant (Variation ID: 483019). Invitae Evidence Modeling of protein sequence and biophysical properties (such as structural, functional, and spatial information, amino acid conservation, physicochemical variation, residue mobility, and thermodynamic stability) indicates that this missense variant is not expected to disrupt BRCA2 protein function with a negative predictive value of 95%. In summary, the available evidence is currently insufficient to determine the role of this variant in disease. Therefore, it has been classified as a Variant of Uncertain Significance.

University of Washington Department of Laboratory Medicine, University of Washington
Classification: Likely benign for Hereditary cancer-predisposing syndrome. Last evaluated: 2023-03-23. Review status: criteria provided, single submitter. Criteria: Dines et al. (Genet Med. 2020). Collection method: curation. Allele origin: germline.
Comment: Missense variant in a coldspot region where missense variants are very unlikely to be pathogenic (PMID:31911673).

BRCA2 exon 11 coldspot. Reclassification based on statistical prior probability.